The following is an entry in ClinVar:

ClinVar aggregate classification (germline): Pathogenic (1 of 4 stars; one submission).

Conditions:
Cerebral cavernous malformation 3. Also called: Familial Cerebral Cavernous Malformation 3. Identifiers: Orphanet 221061, MedGen C1864040, MONDO:0011305, OMIM 603285.

Submission:

Labcorp Genetics (formerly Invitae), Labcorp
Classification: Pathogenic for Cerebral cavernous malformation 3. Last evaluated: 2020-03-26. Review status: criteria provided, single submitter. Criteria: Invitae Variant Classification Sherloc (09022015). Collection method: clinical testing. Allele origin: germline.
Comment: This sequence change results in a premature translational stop signal in the PDCD10 gene (p.Ser193Profs*4). While this is not anticipated to result in nonsense mediated decay, it is expected to disrupt the last 20 amino acids of the PDCD10 protein. For these reasons, this variant has been classified as Pathogenic. This variant disrupts the C-terminus of the PDCD10 protein. Other variant(s) that disrupt this region (p.Arg196*) have been determined to be pathogenic (PMID: 15543491, 30161288). This suggests that variants that disrupt this region of the protein are likely to be causative of disease. This variant has not been reported in the literature in individuals with PDCD10-related conditions. This variant is not present in population databases (ExAC no frequency).

Literature cited by the submitters: PubMed 15543491; PubMed 30161288.

NM_007217.4(PDCD10):c.576_579del (p.Ser193fs)

Gene: PDCD10 (programmed cell death 10; minus strand). Cytogenetic location: 3q26.1.
Variant type: Deletion.
Coding change: c.576_579del on transcript NM_007217.4 (MANE Select); coding-DNA positions 576 to 579, 4 bases deleted (AAGT; older notation c.576_579delAAGT).
Protein change: p.Ser193fs; shifts the reading frame from serine 193.
Molecular consequence: frameshift variant.
Genome position (GRCh38, 1-based): chr3:167,684,368-167,684,371, ACTT deleted on the plus strand (AAGT on the coding strand, the reverse complement: PDCD10 is on the minus strand); deleting any 4 consecutive bases within chr3:167,684,368-167,684,373 gives the same sequence; the c. name uses the placement nearest the transcript's 3' end. VCF-style (leftmost placement, unchanged base first): chr3-167684367-CACTT-C. GRCh37 (hg19) VCF-style: chr3-167402155-CACTT-C.
Other names: c.576_579del, p.Ser193fs (NM_145859.2, NM_145860.2); short protein forms S193fs.
Identifiers: ClinVar variation 1075146 (VCV001075146.9), dbSNP rs2108363227, ClinGen allele CA2499216575.